The following is an entry in ClinVar:

ClinVar aggregate classification (germline): Uncertain significance (1 of 4 stars; one submission).

Conditions:
Gamma-aminobutyric acid transaminase deficiency (GABATD). Also called: GABA transaminase deficiency; Gamma aminobutyrate transaminase deficiency; 4 alpha aminobutyrate transaminase deficiency; GABA aminotransaminase deficiency. Identifiers: Orphanet 2066, MedGen C0342708, MONDO:0013166, OMIM 613163.

Submission:

Labcorp Genetics (formerly Invitae), Labcorp
Classification: Uncertain significance for Gamma-aminobutyric acid transaminase deficiency. Last evaluated: 2021-11-16. Review status: criteria provided, single submitter. Criteria: Invitae Variant Classification Sherloc (09022015). Collection method: clinical testing. Allele origin: germline.
Comment: This sequence change replaces phenylalanine, which is neutral and non-polar, with valine, which is neutral and non-polar, at codon 442 of the ABAT protein (p.Phe442Val). This variant is not present in population databases (gnomAD no frequency). This variant has not been reported in the literature in individuals affected with ABAT-related conditions. Algorithms developed to predict the effect of missense changes on protein structure and function (SIFT, PolyPhen-2, Align-GVGD) all suggest that this variant is likely to be tolerated. In summary, the available evidence is currently insufficient to determine the role of this variant in disease. Therefore, it has been classified as a Variant of Uncertain Significance.

NM_020686.6(ABAT):c.1324T>G (p.Phe442Val)

Gene: ABAT (4-aminobutyrate aminotransferase; plus strand). Cytogenetic location: 16p13.2.
Variant type: single nucleotide variant.
Coding change: c.1324T>G on transcript NM_020686.6 (MANE Select); coding-DNA position 1324, T replaced by G.
Protein change: p.Phe442Val; replaces phenylalanine 442 with valine.
Molecular consequence: missense variant. On other transcripts: intron variant (1).
Genome position (GRCh38, 1-based): chr16:8,779,533, T>G. VCF-style: chr16-8779533-T-G. GRCh37 (hg19) VCF-style: chr16-8873390-T-G.
Other names: c.1324T>G, p.Phe442Val (NM_000663.5, NM_001127448.2, NM_001386600.1 and 5 more transcripts); c.1285T>G, p.Phe429Val (NM_001386605.1); c.1261T>G, p.Phe421Val (NM_001386606.1, NM_001386607.1); c.1231T>G, p.Phe411Val (NM_001386608.1); c.1189T>G, p.Phe397Val (NM_001386610.1, NM_001386611.1); c.1126T>G, p.Phe376Val (NM_001386612.1, NM_001386613.1); c.1078T>G, p.Phe360Val (NM_001386614.1); c.1420T>G, p.Phe474Val (NM_001386615.1); and 1 more; short protein forms F397V, F429V, F360V, F421V, F474V, F376V, F411V, F442V.
Identifiers: ClinVar variation 1502556 (VCV001502556.6), dbSNP rs2143002786, ClinGen allele CA394690564.
Genomic context (GRCh38, chr16:8,779,533, plus strand): 5'-CTACAGGCCCGGTACCCCCAGTTCATCAGCAGGGTGAGAGGACGAGGCACCTTTTGCTCC[T>G]TCGATACTCCCGATGATTCCATACGGAATAAGCTCATTTTAATTGCCAGAAACAAAGGTA-3'
Protein context (NP_065737.2, residues 432-452): RVRGRGTFCS[Phe442Val]DTPDDSIRNK